The following is an entry in ClinVar:

ClinVar aggregate classification (germline): Uncertain significance. Review status: criteria provided, multiple submitters, no conflicts (2 of 4 stars). 2 submissions from 2 submitters: Uncertain significance (2). Last evaluated 2025-07-27.

Conditions:
Andersen Tawil syndrome (LQT7). Also called: PERIODIC PARALYSIS, POTASSIUM-SENSITIVE CARDIODYSRHYTHMIC TYPE; Potassium-sensitive periodic paralysis, ventricular ectopy, and dysmorphic features; ANDERSEN CARDIODYSRHYTHMIC PERIODIC PARALYSIS; Andersen Syndrome; LONG QT SYNDROME 7. Identifiers: Orphanet 37553, MedGen C1563715, MONDO:0008222, OMIM 170390.
Short QT syndrome type 3. Identifiers: Orphanet 51083, MedGen C1865018, MONDO:0012314, OMIM 609622.

Submissions (2):

Labcorp Genetics (formerly Invitae), Labcorp
Classification: Uncertain significance for Short QT syndrome type 3; Andersen Tawil syndrome. Last evaluated: 2025-07-27. Review status: criteria provided, single submitter. Criteria: Invitae Variant Classification Sherloc (09022015). Collection method: clinical testing. Allele origin: germline.
Comment: This sequence change replaces arginine, which is basic and polar, with histidine, which is basic and polar, at codon 46 of the KCNJ2 protein (p.Arg46His). This variant is present in population databases (no rsID available, gnomAD 0.03%). This variant has not been reported in the literature in individuals affected with KCNJ2-related conditions. ClinVar contains an entry for this variant (Variation ID: 2442607). Invitae Evidence Modeling of protein sequence and biophysical properties (such as structural, functional, and spatial information, amino acid conservation, physicochemical variation, residue mobility, and thermodynamic stability) indicates that this missense variant is expected to disrupt KCNJ2 protein function with a positive predictive value of 95%. In summary, the available evidence is currently insufficient to determine the role of this variant in disease. Therefore, it has been classified as a Variant of Uncertain Significance.

GeneDx
Classification: Uncertain significance. Last evaluated: 2023-03-06. Review status: criteria provided, single submitter. Criteria: GeneDx Variant Classification Process June 2021. Collection method: clinical testing. Allele origin: germline. Affected: yes.
Comment: Has not been previously published as pathogenic or benign to our knowledge; Not observed at significant frequency in large population cohorts (gnomAD); In silico analysis supports that this missense variant has a deleterious effect on protein structure/function

NM_000891.3(KCNJ2):c.137G>A (p.Arg46His)

Gene: KCNJ2 (potassium inwardly rectifying channel subfamily J member 2; plus strand). Cytogenetic location: 17q24.3.
Variant type: single nucleotide variant.
Coding change: c.137G>A on transcript NM_000891.3 (MANE Select); coding-DNA position 137, G replaced by A.
Protein change: p.Arg46His; replaces arginine 46 with histidine.
Molecular consequence: missense variant.
Genome position (GRCh38, 1-based): chr17:70,175,176, G>A. VCF-style: chr17-70175176-G-A. GRCh37 (hg19) VCF-style: chr17-68171317-G-A.
Other names: short protein forms R46H.
Identifiers: ClinVar variation 2442607 (VCV002442607.3), dbSNP rs1271319212, ClinGen allele CA400859944.